The following is an entry in ClinVar:

NM_001999.4(FBN2):c.3889G>A (p.Gly1297Ser)

Gene: FBN2 (fibrillin 2; minus strand). Cytogenetic location: 5q23.3.
Variant type: single nucleotide variant.
Coding change: c.3889G>A on transcript NM_001999.4 (MANE Select); coding-DNA position 3889, G replaced by A.
Protein change: p.Gly1297Ser; replaces glycine 1297 with serine.
Molecular consequence: missense variant.
Genome position (GRCh38, 1-based): chr5:128,335,254, C>T on the plus strand (G>A on the coding strand, the complement: FBN2 is on the minus strand). VCF-style: chr5-128335254-C-T. GRCh37 (hg19) VCF-style: chr5-127670946-C-T.
Other names: c.3889G>A (NM_001999.3); short protein forms G1297S.
Identifiers: ClinVar variation 1487539 (VCV001487539.9), dbSNP rs755489065, ClinGen allele CA3395105.

ClinVar aggregate classification (germline): Conflicting classifications of pathogenicity. Review status: criteria provided, conflicting classifications (1 of 4 stars). 2 submissions from 2 submitters: Uncertain significance (1); Likely benign (1). Last evaluated 2024-12-31.

Conditions:
Congenital contractural arachnodactyly (CCA). Also called: BEALS SYNDROME; Beals-Hecht syndrome; Arthrogryposis, distal, type 9. Identifiers: Orphanet 115, MedGen C0220668, MONDO:0007363, OMIM 121050.

Allele frequency attached by ClinVar (database versions not stated): gnomAD 0.00001; gnomAD exomes 0.00001 and 0.00002; ExAC 0.00002; TOPMed 0.00002.
gnomAD v4.1: 15 of 1,613,864 alleles (0.00093%); highest among the groups gnomAD compares: East Asian, 0.0067%; no homozygotes.

Submissions (2):

GeneDx
Classification: Uncertain significance. Last evaluated: 2024-12-31. Review status: criteria provided, single submitter. Criteria: GeneDx Variant Classification Process June 2021. Collection method: clinical testing. Allele origin: germline. Affected: yes.
Comment: Not observed at significant frequency in large population cohorts (gnomAD); In silico analysis supports that this missense variant has a deleterious effect on protein structure/function; This variant is associated with the following publications: (PMID: 29907982, 34498425, 34422331)

Labcorp Genetics (formerly Invitae), Labcorp
Classification: Likely benign for Congenital contractural arachnodactyly. Last evaluated: 2024-05-27. Review status: criteria provided, single submitter. Criteria: Invitae Variant Classification Sherloc (09022015). Collection method: clinical testing. Allele origin: germline.